The following is an entry in ClinVar:

ClinVar aggregate classification (germline): Uncertain significance (1 of 4 stars; one submission).

Conditions:
X-linked progressive cerebellar ataxia. Also called: OLIVOPONTOCEREBELLAR ATROPHY, X-LINKED; OPCA, X-LINKED; Spinocerebellar ataxia, X-linked 1. Identifiers: Orphanet 1175, MedGen C0796205, MONDO:0010547, OMIM 302500.

gnomAD v4.1: 2 of 1,183,468 alleles (0.00017%); highest among the groups gnomAD compares: Non-Finnish European, 0.00023%; no homozygotes.

Submission:

MVZ Medizinische Genetik Mainz
Classification: Uncertain significance for X-linked progressive cerebellar ataxia. Last evaluated: 2024-06-25. Review status: criteria provided, single submitter. Criteria: UK Practice Guidelines For Variant Classification V4 01 2020. Collection method: clinical testing. Allele origin: germline. Inheritance: X-linked dominant inheritance. Affected: yes. Observed: 1 variant allele.
Comment: ACMG Criteria: PP3_MOD,PM2_SUP,PP2

NM_001001344.3(ATP2B3):c.2419G>A (p.Val807Met)

Gene: ATP2B3 (ATPase plasma membrane Ca2+ transporting 3; plus strand). Cytogenetic location: Xq28.
Variant type: single nucleotide variant.
Coding change: c.2419G>A on transcript NM_001001344.3 (MANE Select); coding-DNA position 2419, G replaced by A.
Protein change: p.Val807Met; replaces valine 807 with methionine.
Molecular consequence: missense variant.
Genome position (GRCh38, 1-based): chrX:153,557,009, G>A. VCF-style: chrX-153557009-G-A. GRCh37 (hg19) VCF-style: chrX-152822467-G-A.
Other names: c.2419G>A, p.Val807Met (NM_001388360.1, NM_001388361.1, NM_001388362.1 and 1 more transcripts); c.2377G>A, p.Val793Met (NM_001410708.1); short protein forms V793M, V807M.
Identifiers: ClinVar variation 3256651 (VCV003256651.1).